The following is an entry in ClinVar:

NM_025137.4(SPG11):c.6331del (p.Glu2111fs)

Gene: SPG11 (SPG11 vesicle trafficking associated, spatacsin; minus strand). Cytogenetic location: 15q21.1.
Variant type: Deletion.
Coding change: c.6331del on transcript NM_025137.4 (MANE Select); coding-DNA position 6331, one base deleted (G; older notation c.6331delG).
Protein change: p.Glu2111fs; shifts the reading frame from glutamic acid 2111.
Molecular consequence: frameshift variant.
Genome position (GRCh38, 1-based): chr15:44,572,695, C deleted on the plus strand (G on the coding strand, the reverse complement: SPG11 is on the minus strand); the first of 4 consecutive C bases (chr15:44,572,695-44,572,698); deleting any one gives the same sequence. VCF-style (leftmost placement, unchanged base first): chr15-44572694-TC-T. GRCh37 (hg19) VCF-style: chr15-44864892-TC-T.
Other names: c.5992del, p.Glu1998fs (NM_001160227.2); short protein forms E1998fs, E2111fs.
Identifiers: ClinVar variation 1448539 (VCV001448539.6), dbSNP rs2140926873, ClinGen allele CA2573150870.

ClinVar aggregate classification (germline): Pathogenic (1 of 4 stars; one submission).

Conditions:
Hereditary spastic paraplegia 11. Also called: SPASTIC PARAPLEGIA, AUTOSOMAL RECESSIVE, COMPLICATED, WITH THIN CORPUS CALLOSUM; SPASTIC PARAPLEGIA, AUTOSOMAL RECESSIVE, WITH MENTAL IMPAIRMENT AND THIN CORPUS CALLOSUM; Spastic paraplegia, mental retardation and thin corpus callosum; Spastic Paraplegia 11; Nakamura Osame syndrome; Autosomal recessive hereditary spastic paraplegia, mental impairment, and thin corpus callosum. Identifiers: Orphanet 2822, MedGen C1858479, MONDO:0011445, OMIM 604360.

Submission:

Labcorp Genetics (formerly Invitae), Labcorp
Classification: Pathogenic for Hereditary spastic paraplegia 11. Last evaluated: 2021-04-16. Review status: criteria provided, single submitter. Criteria: Invitae Variant Classification Sherloc (09022015). Collection method: clinical testing. Allele origin: germline.
Comment: For these reasons, this variant has been classified as Pathogenic. This variant has not been reported in the literature in individuals with SPG11-related conditions. This variant is not present in population databases (ExAC no frequency). This sequence change creates a premature translational stop signal (p.Glu2111Asnfs*9) in the SPG11 gene. It is expected to result in an absent or disrupted protein product. Loss-of-function variants in SPG11 are known to be pathogenic (PMID: 19105190, 20110243, 22154821).

Literature cited by the submitters: PubMed 19105190; PubMed 20110243; PubMed 22154821.